The following is an entry in ClinVar:

ClinVar aggregate classification (germline): Uncertain significance (1 of 4 stars; one submission).

gnomAD v4.1: 2 of 1,613,420 alleles (0.00012%); highest among the groups gnomAD compares: Non-Finnish European, 0.00017%; no homozygotes.

Submission:

Ambry Genetics
Classification: Uncertain significance. Last evaluated: 2026-06-20. Review status: criteria provided, single submitter. Criteria: Ambry Variant Classification Scheme 2023. Collection method: clinical testing. Allele origin: germline.
Comment: The p.Y933C variant (also known as c.2798A>G), located in coding exon 25 of the KIF1B gene, results from an A to G substitution at nucleotide position 2798. The tyrosine at codon 933 is replaced by cysteine, an amino acid with highly dissimilar properties. This amino acid position is conserved. In addition, this alteration is predicted to be deleterious by in silico analysis. Based on the available evidence, the clinical significance of this variant remains unclear.

NM_001365951.3(KIF1B):c.2936A>G (p.Tyr979Cys)

Gene: KIF1B (kinesin family member 1B; plus strand). Cytogenetic location: 1p36.22.
Variant type: single nucleotide variant.
Coding change: c.2936A>G on transcript NM_001365951.3 (MANE Select); coding-DNA position 2936, A replaced by G.
Protein change: p.Tyr979Cys; replaces tyrosine 979 with cysteine.
Molecular consequence: missense variant.
Genome position (GRCh38, 1-based): chr1:10,334,531, A>G. VCF-style: chr1-10334531-A-G. GRCh37 (hg19) VCF-style: chr1-10394589-A-G.
Other names: c.2936A>G, p.Tyr979Cys (NM_001365952.1); c.2798A>G, p.Tyr933Cys (NM_015074.3); short protein forms Y979C, Y933C.
Identifiers: ClinVar variation 5023173 (VCV005023173.1).